The following is an entry in ClinVar:

NM_001167.4(XIAP):c.64G>T (p.Glu22Ter)

Gene: XIAP (X-linked inhibitor of apoptosis; plus strand). Cytogenetic location: Xq25.
Variant type: single nucleotide variant.
Coding change: c.64G>T on transcript NM_001167.4 (MANE Select); coding-DNA position 64, G replaced by T.
Protein change: p.Glu22Ter; replaces glutamic acid 22 with a stop codon.
Molecular consequence: nonsense.
Genome position (GRCh38, 1-based): chrX:123,885,726, G>T. VCF-style: chrX-123885726-G-T. GRCh37 (hg19) VCF-style: chrX-123019576-G-T.
Other names: c.64G>T, p.Glu22Ter (NM_001204401.2, NM_001378590.1, NM_001378591.1 and 1 more transcripts); short protein forms E22*.
Identifiers: ClinVar variation 3664415 (VCV003664415.2).
Genomic context (GRCh38, chrX:123,885,726, plus strand): 5'-ACTTTTAACAGTTTTGAAGGATCTAAAACTTGTGTACCTGCAGACATCAATAAGGAAGAA[G>T]AATTTGTAGAAGAGTTTAATAGATTAAAAACTTTTGCTAATTTTCCAAGTGGTAGTCCTG-3'

ClinVar aggregate classification (germline): Pathogenic (1 of 4 stars; one submission).

Conditions:
X-linked lymphoproliferative disease due to XIAP deficiency. Also called: XIAP-Related Lymphoproliferative Disease, X-Linked; XIAP DEFICIENCY. Identifiers: Orphanet 2442, Orphanet 538934, MedGen C1845076, MONDO:0010385, OMIM 300635.

Submission:

Labcorp Genetics (formerly Invitae), Labcorp
Classification: Pathogenic for X-linked lymphoproliferative disease due to XIAP deficiency. Last evaluated: 2024-10-21. Review status: criteria provided, single submitter. Criteria: Invitae Variant Classification Sherloc (09022015). Collection method: clinical testing. Allele origin: germline.
Comment: This sequence change creates a premature translational stop signal (p.Glu22*) in the XIAP gene. It is expected to result in an absent or disrupted protein product. Loss-of-function variants in XIAP are known to be pathogenic (PMID: 17080092, 21119115, 25666262). This variant is not present in population databases (gnomAD no frequency). This variant has not been reported in the literature in individuals affected with XIAP-related conditions. For these reasons, this variant has been classified as Pathogenic.

Literature cited by the submitters: PubMed 17080092; PubMed 21119115; PubMed 25666262.